The following is an entry in ClinVar:

NM_000492.4(CFTR):c.3748A>G (p.Lys1250Glu)

Genes: CFTR (CF transmembrane conductance regulator; plus strand), CFTR-AS2 (CFTR antisense RNA 2; minus strand). Cytogenetic location: 7q31.2.
Variant type: single nucleotide variant.
Coding change: c.3748A>G on transcript NM_000492.4 (MANE Select); coding-DNA position 3748, A replaced by G.
Protein change: p.Lys1250Glu; replaces lysine 1250 with glutamic acid.
Molecular consequence: missense variant.
Genome position (GRCh38, 1-based): chr7:117,642,468, A>G. VCF-style: chr7-117642468-A-G. GRCh37 (hg19) VCF-style: chr7-117282522-A-G.
Other names: short protein forms K1250E.
Identifiers: ClinVar variation 3491625 (VCV003491625.1).

ClinVar aggregate classification (germline): Uncertain significance (1 of 4 stars; one submission).

Conditions:
Cystic fibrosis (CF). Also called: MUCOVISCIDOSIS. Identifiers: Orphanet 586, MedGen C0010674, MONDO:0009061, OMIM 219700. Disease mechanism: loss of function.

Submission:

Ambry Genetics
Classification: Uncertain significance for Cystic fibrosis. Last evaluated: 2024-07-03. Review status: criteria provided, single submitter. Criteria: Ambry Variant Classification Scheme 2023. Collection method: clinical testing. Allele origin: germline.
Comment: The p.K1250E variant (also known as c.3748A>G), located in coding exon 23 of the CFTR gene, results from an A to G substitution at nucleotide position 3748. The lysine at codon 1250 is replaced by glutamic acid, an amino acid with similar properties. This amino acid position is conserved. In addition, this alteration is predicted to be deleterious by in silico analysis. Based on the available evidence, the clinical significance of this variant remains unclear.